The following is an entry in ClinVar:

NM_001001433.3(STX16):c.532C>A (p.His178Asn)

Genes: STX16 (syntaxin 16; plus strand), STX16-NPEPL1 (STX16-NPEPL1 readthrough (NMD candidate); plus strand). Cytogenetic location: 20q13.32.
Variant type: single nucleotide variant.
Coding change: c.532C>A on transcript NM_001001433.3 (MANE Select); coding-DNA position 532, C replaced by A.
Protein change: p.His178Asn; replaces histidine 178 with asparagine.
Molecular consequence: missense variant. On other transcripts: non-coding transcript variant (1).
Genome position (GRCh38, 1-based): chr20:58,669,429, C>A. VCF-style: chr20-58669429-C-A. GRCh37 (hg19) VCF-style: chr20-57244485-C-A.
Other names: c.520C>A, p.His174Asn (NM_001134772.3); c.481C>A, p.His161Asn (NM_001134773.3); c.373C>A, p.His125Asn (NM_001204868.2); c.469C>A, p.His157Asn (NM_003763.6); short protein forms H157N, H161N, H125N, H174N, H178N.
Identifiers: ClinVar variation 4177244 (VCV004177244.2).

ClinVar aggregate classification (germline): Uncertain significance. Review status: criteria provided, multiple submitters, no conflicts (2 of 4 stars). 2 submissions from 2 submitters: Uncertain significance (2). Last evaluated 2025-08-02.

Conditions:
Inborn genetic diseases. Identifiers: MedGen C0950123, MeSH D030342.

Submissions (2):

Ambry Genetics
Classification: Uncertain significance for Inborn genetic diseases. Last evaluated: 2025-08-02. Review status: criteria provided, single submitter. Criteria: Ambry Variant Classification Scheme 2023. Collection method: clinical testing. Allele origin: germline.

Labcorp Genetics (formerly Invitae), Labcorp
Classification: Uncertain significance. Last evaluated: 2025-07-15. Review status: criteria provided, single submitter. Criteria: Invitae Variant Classification Sherloc (09022015). Collection method: clinical testing. Allele origin: germline.
Comment: This sequence change replaces histidine, which is basic and polar, with asparagine, which is neutral and polar, at codon 178 of the STX16 protein (p.His178Asn). This variant is not present in population databases (gnomAD no frequency). This variant has not been reported in the literature in individuals affected with STX16-related conditions. Invitae Evidence Modeling of protein sequence and biophysical properties (such as structural, functional, and spatial information, amino acid conservation, physicochemical variation, residue mobility, and thermodynamic stability) indicates that this missense variant is not expected to disrupt STX16 protein function with a negative predictive value of 80%. In summary, the available evidence is currently insufficient to determine the role of this variant in disease. Therefore, it has been classified as a Variant of Uncertain Significance.